The following is an entry in ClinVar:

NM_002700.3(POU4F3):c.813C>T (p.Gly271=)

Genes: POU4F3 (POU class 4 homeobox 3; plus strand), LOC127814297 (RBM27-POU4F3; plus strand). Cytogenetic location: 5q32.
Variant type: single nucleotide variant.
Coding change: c.813C>T on transcript NM_002700.3 (MANE Select); coding-DNA position 813, C replaced by T.
Protein change: p.Gly271=; no amino-acid change (glycine 271 retained).
Molecular consequence: synonymous variant. On other transcripts: 3 prime UTR variant (1).
Genome position (GRCh38, 1-based): chr5:146,340,240, C>T. VCF-style: chr5-146340240-C-T. GRCh37 (hg19) VCF-style: chr5-145719803-C-T.
Other names: c.*682C>T (NM_001414499.1).
Identifiers: ClinVar variation 3353546 (VCV003353546.1).

ClinVar aggregate classification (germline): Likely benign (0 of 4 stars; one submission).

Conditions:
POU4F3-related disorder. Also called: POU4F3-related condition.

Submission:

PreventionGenetics, part of Exact Sciences
Classification: Likely benign for POU4F3-related condition. Last evaluated: 2019-12-05. Review status: no assertion criteria provided. Collection method: clinical testing. Allele origin: germline.
Comment: This variant is classified as likely benign based on ACMG/AMP sequence variant interpretation guidelines (Richards et al. 2015 PMID: 25741868, with internal and published modifications).